The following is an entry in ClinVar:

NM_002470.4(MYH3):c.803T>C (p.Leu268Pro)

Gene: MYH3 (myosin heavy chain 3; minus strand). Cytogenetic location: 17p13.1.
Variant type: single nucleotide variant.
Coding change: c.803T>C on transcript NM_002470.4 (MANE Select); coding-DNA position 803, T replaced by C.
Protein change: p.Leu268Pro; replaces leucine 268 with proline.
Molecular consequence: missense variant.
Genome position (GRCh38, 1-based): chr17:10,647,277, A>G on the plus strand (T>C on the coding strand, the complement: MYH3 is on the minus strand). VCF-style: chr17-10647277-A-G. GRCh37 (hg19) VCF-style: chr17-10550594-A-G.
Other names: short protein forms L268P.
Identifiers: ClinVar variation 421210 (VCV000421210.4), dbSNP rs1064794980, ClinGen allele CA16620329.

ClinVar aggregate classification (germline): Conflicting classifications of pathogenicity. Review status: criteria provided, conflicting classifications (1 of 4 stars). 2 submissions from 2 submitters: Likely pathogenic (1); Uncertain significance (1). Last evaluated 2025-12-31.

Conditions:
MYH3-related disorder. Also called: MYH3-Related Disorders; MYH3-related condition. Identifiers: MedGen CN239329.

Submissions (2):

3billion
Classification: Uncertain significance for MYH3-related disorder. Last evaluated: 2025-12-31. Review status: criteria provided, single submitter. Criteria: ACMG Guidelines, 2015. Collection method: clinical testing. Allele origin: germline. Affected: yes.
Comment: The variant is not observed in the gnomAD v4.1.0 dataset. Predicted Consequence/Location: Missense variant In silico tool predictions suggest damaging effect of the variant on gene or gene product [REVEL: 0.89 (>=0.6, sensitivity 0.68 and specificity 0.92); 3Cnet: 0.96 (> 0.75, sensitivity 0.96 and precision 0.92)]. The same nucleotide change resulting in the same amino acid change has been previously reported to be associated with MYH3-related disorder (ClinVar ID: VCV000421210). However, the evidence of pathogenicity is insufficient at this time. Therefore, this variant is classified as VUS according to the recommendation of ACMG/AMP guideline.

GeneDx
Classification: Likely pathogenic. Last evaluated: 2019-12-11. Review status: criteria provided, single submitter. Criteria: GeneDx Variant Classification Process June 2021. Collection method: clinical testing. Allele origin: germline. Affected: yes.
Comment: Not observed in large population cohorts (Lek et al., 2016); In silico analysis, which includes protein predictors and evolutionary conservation, supports a deleterious effect; Has not been previously published as pathogenic or benign to our knowledge